The following is an entry in ClinVar:

ClinVar aggregate classification (germline): Benign (1 of 4 stars; one submission).

Allele frequency attached by ClinVar (database versions not stated): gnomAD 0.33303 and 0.33324; TOPMed 0.33845; 1000 Genomes Project 0.38259.
gnomAD v4.1: 50,541 of 152,068 alleles (33%); highest among the groups gnomAD compares: African/African-American, 49%; 9,225 homozygotes.

Submission:

GeneDx
Classification: Benign. Last evaluated: 2019-01-09. Review status: criteria provided, single submitter. Criteria: GeneDx Variant Classification Process June 2021. Collection method: clinical testing. Allele origin: germline. Affected: yes.
Comment: This variant is associated with the following publications: (PMID: 29695719)

NM_012081.6(ELL2):c.196-4613G>A

Genes: ELL2 (elongation factor for RNA polymerase II 2; minus strand), LOC129994245 (ATAC-STARR-seq lymphoblastoid active region 22813; plus strand). Cytogenetic location: 5q15.
Variant type: single nucleotide variant.
Coding change: c.196-4613G>A on transcript NM_012081.6 (MANE Select); 4613 bases into the intron before coding-DNA position 196, G replaced by A.
Molecular consequence: intron variant.
Genome position (GRCh38, 1-based): chr5:95,924,158, C>T on the plus strand (G>A on the coding strand, the complement: ELL2 is on the minus strand). VCF-style: chr5-95924158-C-T. GRCh37 (hg19) VCF-style: chr5-95259862-C-T.
Identifiers: ClinVar variation 1277603 (VCV001277603.1), dbSNP rs3777185, ClinGen allele CA11937384.